The following is an entry in ClinVar:

NM_007227.3(GPR45):c.62C>T (p.Ala21Val)

Gene: GPR45 (G protein-coupled receptor 45; plus strand). Cytogenetic location: 2q12.1.
Variant type: single nucleotide variant.
Coding change: c.62C>T on transcript NM_007227.3 (MANE Select); coding-DNA position 62, C replaced by T.
Protein change: p.Ala21Val; replaces alanine 21 with valine.
Molecular consequence: missense variant.
Genome position (GRCh38, 1-based): chr2:105,241,920, C>T. VCF-style: chr2-105241920-C-T. GRCh37 (hg19) VCF-style: chr2-105858377-C-T.
Other names: short protein forms A21V.
Identifiers: ClinVar variation 2852517 (VCV002852517.3), dbSNP rs145079238, ClinGen allele CA1813509.
Genomic context (GRCh38, chr2:105,241,920, plus strand): 5'-TGGCCTGCAACAGCACGTCCCTTGAGGCTTACACATACCTGCTGCTGAACACCAGCAACG[C>T]CTCAGACTCGGGGTCCACCCAGTTGCCCGCACCCCTCAGGATCTCCTTGGCCATAGTGAT-3'
Protein context (NP_009158.3, residues 11-31): YTYLLLNTSN[Ala21Val]SDSGSTQLPA

ClinVar aggregate classification (germline): Uncertain significance (1 of 4 stars; one submission).

Allele frequency attached by ClinVar (database versions not stated): ExAC 0.00001; gnomAD 0.00001; TOPMed 0.00002; ESP Exome Variant Server 0.00008.

Submission:

Labcorp Genetics (formerly Invitae), Labcorp
Classification: Uncertain significance. Last evaluated: 2023-04-06. Review status: criteria provided, single submitter. Criteria: Invitae Variant Classification Sherloc (09022015). Collection method: clinical testing. Allele origin: germline.
Comment: This variant is not present in population databases (gnomAD no frequency). In summary, the available evidence is currently insufficient to determine the role of this variant in disease. Therefore, it has been classified as a Variant of Uncertain Significance. Algorithms developed to predict the effect of missense changes on protein structure and function output the following: SIFT: "Not Available"; PolyPhen-2: "Benign"; Align-GVGD: "Not Available". The valine amino acid residue is found in multiple mammalian species, which suggests that this missense change does not adversely affect protein function. This variant has not been reported in the literature in individuals affected with GPR45-related conditions. This sequence change replaces alanine, which is neutral and non-polar, with valine, which is neutral and non-polar, at codon 21 of the GPR45 protein (p.Ala21Val).